The following is an entry in ClinVar:

NM_001394372.1(BICRA):c.2618T>A (p.Leu873Gln)

Gene: BICRA (BRD4 interacting chromatin remodeling complex associated protein; plus strand). Cytogenetic location: 19q13.33.
Variant type: single nucleotide variant.
Coding change: c.2618T>A on transcript NM_001394372.1 (MANE Select); coding-DNA position 2618, T replaced by A.
Protein change: p.Leu873Gln; replaces leucine 873 with glutamine.
Molecular consequence: missense variant.
Genome position (GRCh38, 1-based): chr19:47,694,449, T>A. VCF-style: chr19-47694449-T-A. GRCh37 (hg19) VCF-style: chr19-48197706-T-A.
Other names: c.2618T>A, p.Leu873Gln (NM_015711.3); short protein forms L873Q.
Identifiers: ClinVar variation 2650176 (VCV002650176.25), dbSNP rs370979982, ClinGen allele CA9541942.

ClinVar aggregate classification (germline): Conflicting classifications of pathogenicity. Review status: criteria provided, conflicting classifications (1 of 4 stars). 2 submissions from 2 submitters: Uncertain significance (1); Benign (1). Last evaluated 2023-11-21.

Allele frequency attached by ClinVar (database versions not stated): TOPMed 0.00025; ESP Exome Variant Server 0.00026; gnomAD exomes 0.00041; ExAC 0.00086.
gnomAD v4.1: 336 of 808,504 alleles (0.042%); highest among the groups gnomAD compares: Middle Eastern, 0.73%; 2 homozygotes.

Submissions (2):

Ambry Genetics
Classification: Uncertain significance. Last evaluated: 2023-11-21. Review status: criteria provided, single submitter. Criteria: Ambry Variant Classification Scheme 2023. Collection method: clinical testing. Allele origin: germline.

CeGaT Center for Human Genetics Tuebingen
Classification: Benign. Last evaluated: 2022-09-01. Review status: criteria provided, single submitter. Criteria: CeGaT Center For Human Genetics Tuebingen Variant Classification Criteria Version 2. Collection method: clinical testing. Allele origin: germline. Affected: yes. Observed: 1 variant allele.
Comment: BICRA: BS1, BS2